The following is an entry in ClinVar:

NM_001101426.4(CRPPA):c.55A>C (p.Ser19Arg)

Genes: CRPPA (CDP-L-ribitol pyrophosphorylase A; minus strand), LOC129998005 (ATAC-STARR-seq lymphoblastoid silent region 17982; plus strand). Cytogenetic location: 7p21.2.
Variant type: single nucleotide variant.
Coding change: c.55A>C on transcript NM_001101426.4 (MANE Select); coding-DNA position 55, A replaced by C.
Protein change: p.Ser19Arg; replaces serine 19 with arginine.
Molecular consequence: missense variant. On other transcripts: non-coding transcript variant (1).
Genome position (GRCh38, 1-based): chr7:16,421,268, T>G on the plus strand (A>C on the coding strand, the complement: CRPPA is on the minus strand). VCF-style: chr7-16421268-T-G. GRCh37 (hg19) VCF-style: chr7-16460893-T-G.
Other names: c.55A>C, p.Ser19Arg (NM_001101417.4, NM_001368197.1); short protein forms S19R.
Identifiers: ClinVar variation 129288 (VCV000129288.32), dbSNP rs7782939, ClinGen allele CA153193.
Genomic context (GRCh38, chr7:16,421,268, plus strand): 5'-CGGTCCCGGCCACGCTCTGCAGGGAGGCGGAAGCCGTGTGGTCCGCGCCGCGCTGACCAC[T>G]CAGGCAAGGACCCGGCTCCGCCGGCCTGGCGCTGCCCGGCGGCCCGGCCTCCATGGCTGC-3'
Protein context (NP_001094896.1, residues 9-29): ARPAEPGPCL[Ser19Arg]GQRGADHTAS

ClinVar aggregate classification (germline): Benign. Review status: criteria provided, multiple submitters, no conflicts (2 of 4 stars). 12 submissions from 12 submitters: Benign (8). 4 of the submissions do not count toward it. Last evaluated 2026-02-04.

Conditions:
Congenital Muscular Dystrophy, alpha-dystroglycan related.
Muscular dystrophy-dystroglycanopathy (congenital with brain and eye anomalies), type A, 7. Also called: WALKER-WARBURG SYNDROME OR MUSCLE-EYE-BRAIN DISEASE, ISPD-RELATED; Congenital muscular dystrophy-dystroglycanopathy with brain and eye anomalies, type A7. Identifiers: Orphanet 899, MedGen C3553330, MONDO:0013835, OMIM 614643.
Autosomal recessive limb-girdle muscular dystrophy type 2U. Also called: Muscular dystrophy-dystroglycanopathy (limb-girdle), type c, 7; MUSCULAR DYSTROPHY, LIMB-GIRDLE, TYPE 2U. Identifiers: Orphanet 352479, MedGen C5190987, MONDO:0014474, OMIM 616052.

Allele frequency attached by ClinVar (database versions not stated): gnomAD exomes 0.25743 and 0.30437; TOPMed 0.29595; gnomAD 0.29616 and 0.29923; 1000 Genomes Project 0.30391; 1000 Genomes Project 30x 0.30824; ExAC 0.32243.
gnomAD v4.1: 394,087 of 1,297,340 alleles (30%); highest among the groups gnomAD compares: South Asian, 34%; 60,694 homozygotes.

Submissions (12):

Labcorp Genetics (formerly Invitae), Labcorp
Classification: Benign for Muscular dystrophy-dystroglycanopathy (congenital with brain and eye anomalies), type A, 7; Autosomal recessive limb-girdle muscular dystrophy type 2U. Last evaluated: 2026-02-04. Review status: criteria provided, single submitter. Criteria: Invitae Variant Classification Sherloc (09022015). Collection method: clinical testing. Allele origin: germline.

Blueprint Genetics
Classification: Benign. Last evaluated: 2024-11-27. Review status: criteria provided, single submitter. Criteria: ACMG Guidelines, 2015. Collection method: clinical testing. Allele origin: germline.

Illumina Laboratory Services, Illumina
Classification: Benign for Congenital Muscular Dystrophy, alpha-dystroglycan related. Last evaluated: 2018-01-12. Review status: criteria provided, single submitter. Criteria: ICSL Variant Classification Criteria 13 December 2019. Collection method: clinical testing. Allele origin: germline.
Comment: This variant was observed in the ICSL laboratory as part of a predisposition screen in an ostensibly healthy population. It had not been previously curated by ICSL or reported in the Human Gene Mutation Database (HGMD: prior to June 1st, 2018), and was therefore a candidate for classification through an automated scoring system. Utilizing variant allele frequency, disease prevalence and penetrance estimates, and inheritance mode, an automated score was calculated to assess if this variant is too frequent to cause the disease. Based on the score and internal cut-off values, a variant classified as benign is not then subjected to further curation. The score for this variant resulted in a classification of benign for this disease.

Eurofins Ntd Llc (ga)
Classification: Benign. Last evaluated: 2016-08-24. Review status: criteria provided, single submitter. Criteria: EGL Classification Definitions 2015. Collection method: clinical testing. Allele origin: germline. Observed: 66 variant alleles, 55 heterozygotes, 11 homozygotes.

GeneDx
Classification: Benign. Last evaluated: 2015-03-03. Review status: criteria provided, single submitter. Criteria: GeneDx Variant Classification Process June 2021. Collection method: clinical testing. Allele origin: germline. Affected: yes.

Laboratory for Molecular Medicine, Mass General Brigham Personalized Medicine
Classification: Benign. Last evaluated: 2015-01-13. Review status: criteria provided, single submitter. Criteria: LMM Criteria. Collection method: clinical testing. Allele origin: germline. Observed: 3 variant alleles.
Comment: p.Ser19Arg in exon 1 of ISPD: This variant is not expected to have clinical sign ificance because it has been identified in 39.9% (71/178) of English and Scottis h chromosomes from a broad population by the 1000 Genomes Project (dbSNP rs7782939).

Genetic Services Laboratory, University of Chicago
Classification: Benign for AllHighlyPenetrant. Last evaluated: 2013-08-15. Review status: criteria provided, single submitter. Criteria: ACMG Guidelines, 2007. Collection method: clinical testing. Allele origin: germline. Inheritance: Autosomal recessive inheritance.

PreventionGenetics, part of Exact Sciences
Classification: Benign. Review status: criteria provided, single submitter. Criteria: ACMG Guidelines, 2015. Collection method: clinical testing. Allele origin: germline.

Clinical Genetics DNA and cytogenetics Diagnostics Lab, Erasmus MC, Erasmus Medical Center
Classification: Benign. Review status: no assertion criteria provided. Collection method: clinical testing. Allele origin: germline. Affected: yes. Study: VKGL Data-share Consensus. Not counted in ClinVar's aggregate classification.

Clinical Genetics, Academic Medical Center
Classification: Benign. Review status: no assertion criteria provided. Collection method: clinical testing. Allele origin: germline. Affected: yes. Study: VKGL Data-share Consensus. Not counted in ClinVar's aggregate classification.

Diagnostic Laboratory, Department of Genetics, University Medical Center Groningen
Classification: Benign for Muscular dystrophy-dystroglycanopathy (congenital with brain and eye anomalies), type A, 7. Review status: no assertion criteria provided. Collection method: clinical testing. Allele origin: germline. Affected: yes. Study: VKGL Data-share Consensus. Not counted in ClinVar's aggregate classification.

Joint Genome Diagnostic Labs from Nijmegen and Maastricht, Radboudumc and MUMC+
Classification: Benign. Review status: no assertion criteria provided. Collection method: clinical testing. Allele origin: germline. Affected: yes. Study: VKGL Data-share Consensus. Not counted in ClinVar's aggregate classification.